The following is an entry in ClinVar:

NM_001032283.3(TMPO):c.565+1907A>G

Gene: TMPO (thymopoietin; plus strand). Cytogenetic location: 12q23.1.
Variant type: single nucleotide variant.
Coding change: c.565+1907A>G on transcript NM_001032283.3 (MANE Select); 1907 bases into the intron after coding-DNA position 565, A replaced by G.
Molecular consequence: intron variant. On other transcripts: synonymous variant (1).
Genome position (GRCh38, 1-based): chr12:98,533,745, A>G. VCF-style: chr12-98533745-A-G. GRCh37 (hg19) VCF-style: chr12-98927523-A-G.
Other names: c.1488A>G, p.Glu496= (NM_003276.2); c.565+1907A>G (NM_001307975.2, NM_001032284.3).
Identifiers: ClinVar variation 44664 (VCV000044664.12), dbSNP rs372248802, ClinGen allele CA134802.

ClinVar aggregate classification (germline): Likely benign. Review status: criteria provided, multiple submitters, no conflicts (2 of 4 stars). 3 submissions from 3 submitters: Likely benign (3). Last evaluated 2024-10-18.

Conditions:
Loeys-Dietz syndrome 2 (LDS2). Also called: TGFBR2-Related Loeys-Dietz Syndrome; Marfan Syndrome type 2; Marfan like connective tissue disorder; MFS 2; AORTIC ANEURYSM, FAMILIAL THORACIC 3; MARFAN SYNDROME, TYPE II. Identifiers: Orphanet 284973, Orphanet 558, MedGen C2674574, MONDO:0012427, OMIM 610168.

Allele frequency attached by ClinVar (database versions not stated): gnomAD 0.00001; gnomAD exomes 0.00001 and 0.00002; TOPMed 0.00001; ExAC 0.00004; ESP Exome Variant Server 0.00008.
gnomAD v4.1: 25 of 1,614,100 alleles (0.0015%); highest among the groups gnomAD compares: Middle Eastern, 0.016%; no homozygotes.

Submissions (3):

Labcorp Genetics (formerly Invitae), Labcorp
Classification: Likely benign for Loeys-Dietz syndrome 2. Last evaluated: 2024-10-18. Review status: criteria provided, single submitter. Criteria: Invitae Variant Classification Sherloc (09022015). Collection method: clinical testing. Allele origin: germline.

Ambry Genetics
Classification: Likely benign. Last evaluated: 2022-10-07. Review status: criteria provided, single submitter. Criteria: Ambry Variant Classification Scheme 2023. Collection method: clinical testing. Allele origin: germline.

Laboratory for Molecular Medicine, Mass General Brigham Personalized Medicine
Classification: Likely benign. Last evaluated: 2012-03-19. Review status: criteria provided, single submitter. Criteria: LMM Criteria. Collection method: clinical testing. Allele origin: germline. Observed: 1 variant allele.
Comment: Glu496Glu in exon 4 of TMPO: This variant is not expected to have clinical signi ficance because it does not alter an amino acid residue and is not located withi n the splice consensus sequence. It has been identified in 1/7020 European Ameri can chromosomes from a broad population by the NHLBI Exome Sequencing Project. Glu496Glu in exon 4 of TMPO (allele frequency = 1/7020) **